The following is an entry in ClinVar:

NM_001365088.1(SLC12A6):c.*824T>C

Gene: SLC12A6 (solute carrier family 12 member 6; minus strand). Cytogenetic location: 15q14.
Variant type: single nucleotide variant.
Coding change: c.*824T>C on transcript NM_001365088.1 (MANE Select); 824 bases downstream of the stop codon, T replaced by C.
Molecular consequence: 3 prime UTR variant.
Genome position (GRCh38, 1-based): chr15:34,233,057, A>G on the plus strand (T>C on the coding strand, the complement: SLC12A6 is on the minus strand). VCF-style: chr15-34233057-A-G. GRCh37 (hg19) VCF-style: chr15-34525258-A-G.
Other names: c.*824T>C (NM_001042494.2, NM_001042495.2, NM_001042496.2 and 3 more transcripts).
Identifiers: ClinVar variation 315598 (VCV000315598.5), dbSNP rs75307067, ClinGen allele CA10645697.

ClinVar aggregate classification (germline): Benign (1 of 4 stars; one submission).

Conditions:
Agenesis of the corpus callosum with peripheral neuropathy (ACCPN). Also called: CHARLEVOIX DISEASE; POLYNEUROPATHY, SENSORIMOTOR, WITH OR WITHOUT AGENESIS OF THE CORPUS CALLOSUM; HMSN/ACC; Hereditary Motor and Sensory Neuropathy with Agenesis of the Corpus Callosum. Identifiers: Orphanet 1496, MedGen C0795950, MONDO:0000902, OMIM 218000. Disease mechanism: loss of function.

Allele frequency attached by ClinVar (database versions not stated): 1000 Genomes Project 30x 0.03935; 1000 Genomes Project 0.04213; TOPMed 0.05533; gnomAD 0.06103 and 0.06174; gnomAD exomes 0.16667.
gnomAD v4.1: 9,296 of 152,260 alleles (6.1%); highest among the groups gnomAD compares: Non-Finnish European, 8.1%; 333 homozygotes.

Submission:

Illumina Laboratory Services, Illumina
Classification: Benign for Agenesis of the corpus callosum with peripheral neuropathy. Last evaluated: 2018-01-13. Review status: criteria provided, single submitter. Criteria: ICSL Variant Classification Criteria 13 December 2019. Collection method: clinical testing. Allele origin: germline.
Comment: This variant was observed in the ICSL laboratory as part of a predisposition screen in an ostensibly healthy population. It had not been previously curated by ICSL or reported in the Human Gene Mutation Database (HGMD: prior to June 1st, 2018), and was therefore a candidate for classification through an automated scoring system. Utilizing variant allele frequency, disease prevalence and penetrance estimates, and inheritance mode, an automated score was calculated to assess if this variant is too frequent to cause the disease. Based on the score and internal cut-off values, a variant classified as benign is not then subjected to further curation. The score for this variant resulted in a classification of benign for this disease.